The following is an entry in ClinVar:

NM_018105.3(THAP1):c.260A>G (p.His87Arg)

Gene: THAP1 (THAP domain containing 1; minus strand). Cytogenetic location: 8p11.21.
Variant type: single nucleotide variant.
Coding change: c.260A>G on transcript NM_018105.3 (MANE Select); coding-DNA position 260, A replaced by G.
Protein change: p.His87Arg; replaces histidine 87 with arginine.
Molecular consequence: missense variant. On other transcripts: intron variant (1).
Genome position (GRCh38, 1-based): chr8:42,839,193, T>C on the plus strand (A>G on the coding strand, the complement: THAP1 is on the minus strand). VCF-style: chr8-42839193-T-C. GRCh37 (hg19) VCF-style: chr8-42694336-T-C.
Other names: c.72-857A>G (NM_199003.2); short protein forms H87R.
Identifiers: ClinVar variation 1400618 (VCV001400618.8), dbSNP rs1392867750, ClinGen allele CA371107671.

ClinVar aggregate classification (germline): Uncertain significance (1 of 4 stars; one submission).

Conditions:
Torsion dystonia 6 (DYT6). Also called: DYT-THAP1. Identifiers: Orphanet 98806, MedGen C1414216, MONDO:0011264, OMIM 602629.

Allele frequency attached by ClinVar (database versions not stated): gnomAD exomes below 0.00001 and 0.00002; TOPMed below 0.00001.
gnomAD v4.1: 26 of 1,614,076 alleles (0.0016%); highest among the groups gnomAD compares: South Asian, 0.0044%; no homozygotes.

Submission:

Labcorp Genetics (formerly Invitae), Labcorp
Classification: Uncertain significance for Torsion dystonia 6. Last evaluated: 2021-06-11. Review status: criteria provided, single submitter. Criteria: Invitae Variant Classification Sherloc (09022015). Collection method: clinical testing. Allele origin: germline.
Comment: Algorithms developed to predict the effect of missense changes on protein structure and function output the following: SIFT: "Tolerated"; PolyPhen-2: "Benign"; Align-GVGD: "Class C0". The arginine amino acid residue is found in multiple mammalian species, suggesting that this missense change does not adversely affect protein function. These predictions have not been confirmed by published functional studies and their clinical significance is uncertain. In summary, the available evidence is currently insufficient to determine the role of this variant in disease. Therefore, it has been classified as a Variant of Uncertain Significance. This variant has been observed in individual(s) with clinical features of dystonia (Invitae). This sequence change replaces histidine with arginine at codon 87 of the THAP1 protein (p.His87Arg). The histidine residue is moderately conserved and there is a small physicochemical difference between histidine and arginine. This variant is not present in population databases (ExAC no frequency).